The following is an entry in ClinVar:

NM_205836.3(FBXO38):c.1117G>A (p.Val373Met)

Gene: FBXO38 (F-box protein 38; plus strand). Cytogenetic location: 5q32.
Variant type: single nucleotide variant.
Coding change: c.1117G>A on transcript NM_205836.3 (MANE Select); coding-DNA position 1117, G replaced by A.
Protein change: p.Val373Met; replaces valine 373 with methionine.
Molecular consequence: missense variant.
Genome position (GRCh38, 1-based): chr5:148,414,159, G>A. VCF-style: chr5-148414159-G-A. GRCh37 (hg19) VCF-style: chr5-147793722-G-A.
Other names: c.1117G>A, p.Val373Met (NM_001271723.2, NM_030793.5); short protein forms V373M.
Identifiers: ClinVar variation 665522 (VCV000665522.37), dbSNP rs201279960, ClinGen allele CA3497215.
Genomic context (GRCh38, chr5:148,414,159, plus strand): 5'-TTGACTTTTTTTTTTTTTAATTGATTGCTCTTTTTAGGCAGAATGGCTAATGCGGATCTG[G>A]TGAAGTATGGTTTGGCTGATGTGGTAGAAAATCCTGGTATCATCACTGATATAGGGATGA-3'
Protein context (NP_995308.1, residues 363-383): LQSRMANADL[Val373Met]KYGLADVVEN

ClinVar aggregate classification (germline): Conflicting classifications of pathogenicity. Review status: criteria provided, conflicting classifications (1 of 4 stars). 5 submissions from 5 submitters: Uncertain significance (3); Likely benign (2). Last evaluated 2026-01-19.

Conditions:
Neuronopathy, distal hereditary motor, type 2D. Also called: NEURONOPATHY, DISTAL HEREDITARY MOTOR, AUTOSOMAL DOMINANT 6; HMN IID; SPINAL MUSCULAR ATROPHY, DISTAL, AUTOSOMAL DOMINANT, CALF-PREDOMINANT; NEURONOPATHY, DISTAL HEREDITARY MOTOR, HARDING TYPE IID; NEUROPATHY, DISTAL HEREDITARY MOTOR, HARDING TYPE IID. Identifiers: Orphanet 139525, MedGen C3888271, MONDO:0014259, OMIM 615575.
Distal hereditary motor neuropathy type 2. Identifiers: Orphanet 139525, MedGen C3711384, MeSH C580044, MONDO:0015352.

Allele frequency attached by ClinVar (database versions not stated): TOPMed 0.00006; ESP Exome Variant Server 0.00008; gnomAD 0.00009 and 0.00011; gnomAD exomes 0.00011 and 0.00015; ExAC 0.00012.
gnomAD v4.1: 230 of 1,609,278 alleles (0.014%); highest among the groups gnomAD compares: Middle Eastern, 0.019%; no homozygotes.

Submissions (5):

Labcorp Genetics (formerly Invitae), Labcorp
Classification: Uncertain significance for Distal hereditary motor neuropathy type 2. Last evaluated: 2026-01-19. Review status: criteria provided, single submitter. Criteria: Invitae Variant Classification Sherloc (09022015). Collection method: clinical testing. Allele origin: germline.
Comment: This sequence change replaces valine, which is neutral and non-polar, with methionine, which is neutral and non-polar, at codon 373 of the FBXO38 protein (p.Val373Met). This variant is present in population databases (rs201279960, gnomAD 0.02%). This variant has not been reported in the literature in individuals affected with FBXO38-related conditions. ClinVar contains an entry for this variant (Variation ID: 665522). Invitae Evidence Modeling of protein sequence and biophysical properties (such as structural, functional, and spatial information, amino acid conservation, physicochemical variation, residue mobility, and thermodynamic stability) indicates that this missense variant is not expected to disrupt FBXO38 protein function with a negative predictive value of 80%. In summary, the available evidence is currently insufficient to determine the role of this variant in disease. Therefore, it has been classified as a Variant of Uncertain Significance.

Laboratory of Genetics, Children's Clinical University Hospital Latvia
Classification: Likely benign. Last evaluated: 2025-02-16. Review status: criteria provided, single submitter. Criteria: ACMG Guidelines, 2015. Collection method: clinical testing. Allele origin: germline. Affected: yes.

CeGaT Center for Human Genetics Tuebingen
Classification: Uncertain significance. Last evaluated: 2023-03-01. Review status: criteria provided, single submitter. Criteria: CeGaT Center For Human Genetics Tuebingen Variant Classification Criteria Version 2. Collection method: clinical testing. Allele origin: germline. Affected: yes. Observed: 1 variant allele.

Department of Pathology and Laboratory Medicine, Sinai Health System
Classification: Uncertain significance for Neuronopathy, distal hereditary motor, type 2D. Last evaluated: 2022-01-27. Review status: criteria provided, single submitter. Criteria: ACMG Guidelines, 2015. Collection method: research. Allele origin: germline.

Ambry Genetics
Classification: Likely benign. Last evaluated: 2020-11-24. Review status: criteria provided, single submitter. Criteria: Ambry Variant Classification Scheme 2023. Collection method: clinical testing. Allele origin: germline.